The following is an entry in ClinVar:

ClinVar aggregate classification (germline): Uncertain significance (1 of 4 stars; one submission).

Allele frequency attached by ClinVar (database versions not stated): TOPMed below 0.00001; gnomAD 0.00001.
gnomAD v4.1: 1 of 1,614,054 alleles (0.000062%); highest among the groups gnomAD compares: Admixed American, 0.0017%; no homozygotes.

Submission:

Labcorp Genetics (formerly Invitae), Labcorp
Classification: Uncertain significance. Last evaluated: 2022-02-08. Review status: criteria provided, single submitter. Criteria: Invitae Variant Classification Sherloc (09022015). Collection method: clinical testing. Allele origin: germline.
Comment: This sequence change replaces lysine, which is basic and polar, with arginine, which is basic and polar, at codon 59 of the BCAT2 protein (p.Lys59Arg). This variant is not present in population databases (gnomAD no frequency). This variant has not been reported in the literature in individuals affected with BCAT2-related conditions. Algorithms developed to predict the effect of missense changes on protein structure and function output the following: SIFT: "Tolerated"; PolyPhen-2: "Benign"; Align-GVGD: "Class C0". The arginine amino acid residue is found in multiple mammalian species, which suggests that this missense change does not adversely affect protein function. In summary, the available evidence is currently insufficient to determine the role of this variant in disease. Therefore, it has been classified as a Variant of Uncertain Significance.

NM_001190.4(BCAT2):c.176A>G (p.Lys59Arg)

Gene: BCAT2 (branched chain amino acid transaminase 2; minus strand). Cytogenetic location: 19q13.33.
Variant type: single nucleotide variant.
Coding change: c.176A>G on transcript NM_001190.4 (MANE Select); coding-DNA position 176, A replaced by G.
Protein change: p.Lys59Arg; replaces lysine 59 with arginine.
Molecular consequence: missense variant. On other transcripts: intron variant (1).
Genome position (GRCh38, 1-based): chr19:48,806,641, T>C on the plus strand (A>G on the coding strand, the complement: BCAT2 is on the minus strand). VCF-style: chr19-48806641-T-C. GRCh37 (hg19) VCF-style: chr19-49309898-T-C.
Other names: c.56A>G, p.Lys19Arg (NM_001284325.2); c.24+4343A>G (NM_001164773.2); short protein forms K59R, K19R.
Identifiers: ClinVar variation 1961478 (VCV001961478.5), dbSNP rs1488926990, ClinGen allele CA406727576.